The following is an entry in ClinVar:

ClinVar aggregate classification (germline): Uncertain significance (1 of 4 stars; one submission).

Conditions:
Radial aplasia-thrombocytopenia syndrome (TAR). Also called: Thrombocytopenia Absent Radius Syndrome; TAR syndrome. Identifiers: Orphanet 3320, MedGen C0175703, MeSH C536940, MONDO:0010121, OMIM 274000.

gnomAD v4.1: 2 of 1,614,174 alleles (0.00012%); highest among the groups gnomAD compares: Admixed American, 0.0017%; no homozygotes.

Submission:

Labcorp Genetics (formerly Invitae), Labcorp
Classification: Uncertain significance for Radial aplasia-thrombocytopenia syndrome. Last evaluated: 2026-01-08. Review status: criteria provided, single submitter. Criteria: Invitae Variant Classification Sherloc (09022015). Collection method: clinical testing. Allele origin: germline.
Comment: This sequence change replaces isoleucine, which is neutral and non-polar, with methionine, which is neutral and non-polar, at codon 89 of the RBM8A protein (p.Ile89Met). This variant is not present in population databases (gnomAD no frequency). This variant has not been reported in the literature in individuals affected with RBM8A-related conditions. An algorithm developed to predict the effect of missense changes on protein structure and function (PolyPhen-2) suggests that this variant is likely to be disruptive. In summary, the available evidence is currently insufficient to determine the role of this variant in disease. Therefore, it has been classified as a Variant of Uncertain Significance.

NM_005105.5(RBM8A):c.267A>G (p.Ile89Met)

Genes: RBM8A (RNA binding motif protein 8A; minus strand), LOC126805851 (MED14-independent group 3 enhancer GRCh37_chr1:145507474-145508673; plus strand). Cytogenetic location: 1q21.1.
Variant type: single nucleotide variant.
Coding change: c.267A>G on transcript NM_005105.5 (MANE Select); coding-DNA position 267, A replaced by G.
Protein change: p.Ile89Met; replaces isoleucine 89 with methionine.
Molecular consequence: missense variant.
Genome position (GRCh38, 1-based): chr1:145,926,557, T>C on the plus strand (A>G on the coding strand, the complement: RBM8A is on the minus strand). VCF-style: chr1-145926557-T-C. GRCh37 (hg19) VCF-style: chr1-145508536-A-G.
Other names: short protein forms I89M.
Identifiers: ClinVar variation 4807893 (VCV004807893.1).
Genomic context (GRCh38, chr1:145,926,557, plus strand): 5'-TCGCCTGTCGAGGTTGAGATGAATGTTTTTAATTTCCCCATATTCTGCGAATTTGTCGTG[T>C]ATGTCTTCTTCGGTGGCTTCCTCATGGACTCCAGTTACAAAGAGAATCCAGCCTTCAACA-3'
Protein context (NP_005096.1, residues 79-99): GVHEEATEED[Ile89Met]HDKFAEYGEI